The following is an entry in ClinVar:

NM_000492.4(CFTR):c.2989-977_3367+248del

Genes: CFTR (CF transmembrane conductance regulator; plus strand), CFTR-AS2 (CFTR antisense RNA 2; minus strand), LOC111674472 (DNase I hypersensitive sites in introns 16 and 17a of CFTR; plus strand). Cytogenetic location: 7q31.2.
Variant type: Deletion.
Coding change: c.2989-977_3367+248del on transcript NM_000492.4 (MANE Select); 977 bases into the intron before coding-DNA position 2989 through 248 bases into the intron after coding-DNA position 3367, 2,515 bases deleted.
Molecular consequence: splice acceptor variant, splice donor variant.
Genome position (GRCh38, 1-based): chr7:117,609,542-117,612,056, 2,515 bases deleted. GRCh37 (hg19): chr7:117,249,596-117,252,110.
Other names: 3121-977_3499+248del2515.
Identifiers: ClinVar variation 51033 (VCV000051033.3), ClinGen allele CA325807.

ClinVar aggregate classification (germline): Pathogenic. Review status: reviewed by expert panel (3 of 4 stars). 3 submissions from 3 submitters: Pathogenic (1). 2 of the submissions do not count toward it. Last evaluated 2017-03-17.

Conditions:
Cystic fibrosis (CF). Also called: MUCOVISCIDOSIS. Identifiers: Orphanet 586, MedGen C0010674, MONDO:0009061, OMIM 219700. Disease mechanism: loss of function.

Submissions (3):

CFTR2
Classification: Pathogenic for Cystic fibrosis. Last evaluated: 2017-03-17. Review status: reviewed by expert panel. Criteria: Sosnay PR et al. (Nat Genet 2013). Collection method: research. Allele origin: germline. Affected: yes. Study: CFTR2.

Johns Hopkins Genomics, Johns Hopkins University
Classification: Pathogenic for Cystic fibrosis. Last evaluated: 2022-09-06. Review status: criteria provided, single submitter. Criteria: ACMG Guidelines, 2015. Collection method: clinical testing. Allele origin: germline. Not counted in ClinVar's aggregate classification.
Comment: Disease-causing CFTR variant. See CFTR2 for phenotype information.

CFTR-France
Classification: Pathogenic for cystic fibrosis. Last evaluated: 2018-01-29. Review status: criteria provided, single submitter. Criteria: Claustres M et al. (Hum Mutat 2017). Collection method: curation. Allele origin: germline. Affected: yes. Not counted in ClinVar's aggregate classification.